The following is an entry in ClinVar:

NM_002875.5(RAD51):c.795C>G (p.Ile265Met)

Gene: RAD51 (RAD51 recombinase; plus strand). Cytogenetic location: 15q15.1.
Variant type: single nucleotide variant.
Coding change: c.795C>G on transcript NM_002875.5 (MANE Select); coding-DNA position 795, C replaced by G.
Protein change: p.Ile265Met; replaces isoleucine 265 with methionine.
Molecular consequence: missense variant. On other transcripts: intron variant (1).
Genome position (GRCh38, 1-based): chr15:40,729,873, C>G. VCF-style: chr15-40729873-C-G. GRCh37 (hg19) VCF-style: chr15-41022071-C-G.
Other names: c.798C>G, p.Ile266Met (NM_001164269.2, NM_133487.4); c.774+239C>G (NM_001164270.2); short protein forms I265M, I266M.
Identifiers: ClinVar variation 1761390 (VCV001761390.3), dbSNP rs1202149010, ClinGen allele CA391759642.

ClinVar aggregate classification (germline): Uncertain significance. Review status: criteria provided, multiple submitters, no conflicts (2 of 4 stars). 2 submissions from 2 submitters: Uncertain significance (2). Last evaluated 2025-01-29.

Conditions:
Inborn genetic diseases. Identifiers: MedGen C0950123, MeSH D030342.

Allele frequency attached by ClinVar (database versions not stated): gnomAD exomes 0.00001; TOPMed 0.00002; 1000 Genomes Project 30x 0.00016; gnomAD 0.00001.
gnomAD v4.1: 10 of 1,614,166 alleles (0.00062%); highest among the groups gnomAD compares: Non-Finnish European, 0.00085%; no homozygotes.

Submissions (2):

GeneDx
Classification: Uncertain significance. Last evaluated: 2025-01-29. Review status: criteria provided, single submitter. Criteria: GeneDx Variant Classification Process June 2021. Collection method: clinical testing. Allele origin: germline. Affected: yes.
Comment: Not observed at significant frequency in large population cohorts (gnomAD); In silico analysis supports that this missense variant has a deleterious effect on protein structure/function; Has not been previously published as pathogenic or benign to our knowledge

Ambry Genetics
Classification: Uncertain significance for Inborn genetic diseases. Last evaluated: 2024-02-27. Review status: criteria provided, single submitter. Criteria: Ambry Variant Classification Scheme 2023. Collection method: clinical testing. Allele origin: germline.
Comment: The p.I265M variant (also known as c.795C>G), located in coding exon 8 of the RAD51 gene, results from a C to G substitution at nucleotide position 795. The isoleucine at codon 265 is replaced by methionine, an amino acid with highly similar properties. This amino acid position is conserved. In addition, the in silico prediction for this alteration is inconclusive. Since supporting evidence is limited at this time, the clinical significance of this alteration remains unclear.